The following is an entry in ClinVar:

NM_006904.7(PRKDC):c.1964T>G (p.Leu655Trp)

Gene: PRKDC (protein kinase, DNA-activated, catalytic subunit; minus strand). Cytogenetic location: 8q11.21.
Variant type: single nucleotide variant.
Coding change: c.1964T>G on transcript NM_006904.7 (MANE Select); coding-DNA position 1964, T replaced by G.
Protein change: p.Leu655Trp; replaces leucine 655 with tryptophan.
Molecular consequence: missense variant.
Genome position (GRCh38, 1-based): chr8:47,929,941, A>C on the plus strand (T>G on the coding strand, the complement: PRKDC is on the minus strand). VCF-style: chr8-47929941-A-C. GRCh37 (hg19) VCF-style: chr8-48842501-A-C.
Other names: c.1964T>G, p.Leu655Trp (NM_001081640.2); short protein forms L655W.
Identifiers: ClinVar variation 2453370 (VCV002453370.2), dbSNP rs755624470, ClinGen allele CA4741585.

ClinVar aggregate classification (germline): Uncertain significance (1 of 4 stars; one submission).

Allele frequency attached by ClinVar (database versions not stated): gnomAD 0.00001; gnomAD exomes 0.00003; ExAC 0.00010.
gnomAD v4.1: 49 of 1,611,112 alleles (0.003%); highest among the groups gnomAD compares: South Asian, 0.052%; 1 homozygote.

Submission:

Ambry Genetics
Classification: Uncertain significance. Last evaluated: 2023-01-31. Review status: criteria provided, single submitter. Criteria: Ambry Variant Classification Scheme 2023. Collection method: clinical testing. Allele origin: germline.
Comment: The p.L655W variant (also known as c.1964T>G), located in coding exon 18 of the PRKDC gene, results from a T to G substitution at nucleotide position 1964. The leucine at codon 655 is replaced by tryptophan, an amino acid with similar properties. This amino acid position is conserved. In addition, this alteration is predicted to be tolerated by in silico analysis. Since supporting evidence is limited at this time, the clinical significance of this alteration remains unclear.